The following is an entry in ClinVar:

NM_001987.5(ETV6):c.225T>G (p.Asn75Lys)

Genes: ETV6 (ETS variant transcription factor 6; plus strand), LOC126861451 (BRD4-independent group 4 enhancer GRCh37_chr12:11991350-11992549; plus strand). Cytogenetic location: 12p13.2.
Variant type: single nucleotide variant.
Coding change: c.225T>G on transcript NM_001987.5 (MANE Select); coding-DNA position 225, T replaced by G.
Protein change: p.Asn75Lys; replaces asparagine 75 with lysine.
Molecular consequence: missense variant. On other transcripts: 5 prime UTR variant (1).
Genome position (GRCh38, 1-based): chr12:11,839,201, T>G. VCF-style: chr12-11839201-T-G. GRCh37 (hg19) VCF-style: chr12-11992135-T-G.
Other names: c.-40T>G (NM_001413915.1); c.225T>G, p.Asn75Lys (NM_001413916.1, NM_001413917.1, NM_001413918.1); c.222T>G, p.Asn74Lys (NM_001413913.1); c.198T>G, p.Asn66Lys (NM_001413914.1); short protein forms N66K, N75K, N74K.
Identifiers: ClinVar variation 5036170 (VCV005036170.1).
Genomic context (GRCh38, chr12:11,839,201, plus strand): 5'-CTTGCAGCCAATTTACTGGAGCAGGGATGACGTAGCCCAGTGGCTCAAGTGGGCTGAAAA[T>G]GAGTTTTCTTTAAGGCCAATTGACAGCAACACGTTTGAAATGAATGGCAAAGCTCTCCTG-3'
Protein context (NP_001978.1, residues 65-85): DVAQWLKWAE[Asn75Lys]EFSLRPIDSN

ClinVar aggregate classification (germline): Uncertain significance (1 of 4 stars; one submission).

Conditions:
Inborn genetic diseases. Identifiers: MedGen C0950123, MeSH D030342.

Submission:

Ambry Genetics
Classification: Uncertain significance for Inborn genetic diseases. Last evaluated: 2026-07-06. Review status: criteria provided, single submitter. Criteria: Ambry Variant Classification Scheme 2023. Collection method: clinical testing. Allele origin: germline.
Comment: The p.N75K variant (also known as c.225T>G), located in coding exon 3 of the ETV6 gene, results from a T to G substitution at nucleotide position 225. The asparagine at codon 75 is replaced by lysine, an amino acid with similar properties. This amino acid position is conserved. In addition, this alteration is predicted to be tolerated by in silico analysis. Based on the available evidence, the clinical significance of this variant remains unclear.